The following is an entry in ClinVar:

ClinVar aggregate classification (germline): Pathogenic/Likely pathogenic. Review status: criteria provided, multiple submitters, no conflicts (2 of 4 stars). 7 submissions from 7 submitters: Pathogenic (5); Likely pathogenic (2). Last evaluated 2025-03-04.

Conditions:
Lynch syndrome 4 (LYNCH4). Also called: Hereditary non-polyposis colorectal cancer, type 4; Colorectal cancer, hereditary nonpolyposis, type 4. Identifiers: Orphanet 144, MedGen C1838333, MONDO:0013699, OMIM 614337. Disease mechanism: loss of function.
Hereditary nonpolyposis colon cancer (HNPCC). Also called: Hereditary Nonpolyposis Colorectal Cancer Syndrome; Hereditary nonpolyposis colorectal cancer; Familial nonpolyposis colon cancer. Identifiers: Orphanet 443909, MedGen C1333990, MONDO:0018630. Disease mechanism: loss of function.
Hereditary nonpolyposis colorectal neoplasms. Identifiers: MedGen C0009405, MeSH D003123.
Hereditary cancer-predisposing syndrome. Also called: Tumor predisposition; Hereditary neoplastic syndrome; Neoplastic Syndromes, Hereditary; Hereditary Cancer Syndrome. Identifiers: Orphanet 140162, MedGen C0027672, MeSH D009386, MONDO:0015356.

Submissions (7):

Center for Genomic Medicine, Rigshospitalet, Copenhagen University Hospital
Classification: Likely pathogenic. Last evaluated: 2025-03-04. Review status: criteria provided, single submitter. Criteria: ACMG Guidelines, 2015. Collection method: clinical testing. Allele origin: germline.

Women's Health and Genetics/Laboratory Corporation of America, LabCorp
Classification: Pathogenic for Hereditary nonpolyposis colon cancer. Last evaluated: 2024-11-11. Review status: criteria provided, single submitter. Criteria: LabCorp Variant Classification Summary - May 2015. Collection method: clinical testing. Allele origin: germline.
Comment: Variant summary: PMS2 c.1281delT (p.His428ThrfsX20) results in a premature termination codon, predicted to cause a truncation of the encoded protein or absence of the protein due to nonsense mediated decay, which are commonly known mechanisms for disease. The variant was absent in 250910 control chromosomes. c.1281delT has been reported in the literature in individuals affected with colorectal cancer (e.g. Pearlman_2017). To our knowledge, no experimental evidence demonstrating an impact on protein function has been reported. The following publication has been ascertained in the context of this evaluation (PMID: 27978560). ClinVar contains an entry for this variant (Variation ID: 847304). Based on the evidence outlined above, the variant was classified as pathogenic.

Color Diagnostics, LLC DBA Color Health
Classification: Pathogenic for Hereditary cancer-predisposing syndrome. Last evaluated: 2024-05-13. Review status: criteria provided, single submitter. Criteria: ACMG Guidelines, 2015. Collection method: clinical testing. Allele origin: germline.
Comment: This variant deletes 1 nucleotide in exon 11 of the PMS2 gene, creating a frameshift and premature translation stop signal. This variant is expected to result in an absent or non-functional protein product. This variant has been reported in at least one individual affected with early onset colorectal cancer with tumor data showing mismatch repair proficiency and microsatellite stability (PMID: 27978560, 29596542). The individual also carried an APC pathogenic variant. This variant has not been identified in the general population by the Genome Aggregation Database (gnomAD). Loss of PMS2 function is a known mechanism of disease. Based on the available evidence, this variant is classified as Pathogenic.

Ambry Genetics
Classification: Pathogenic for Hereditary cancer-predisposing syndrome. Last evaluated: 2024-01-30. Review status: criteria provided, single submitter. Criteria: Ambry Variant Classification Scheme 2023. Collection method: clinical testing. Allele origin: germline.
Comment: The c.1281delT pathogenic mutation, located in coding exon 11 of the PMS2 gene, results from a deletion of one nucleotide at nucleotide position 1281, causing a translational frameshift with a predicted alternate stop codon (p.H428Tfs*20). This alteration is expected to result in loss of function by premature protein truncation or nonsense-mediated mRNA decay. As such, this alteration is interpreted as a disease-causing mutation.

Baylor Genetics
Classification: Likely pathogenic for Lynch syndrome 4. Last evaluated: 2023-11-22. Review status: criteria provided, single submitter. Criteria: ACMG Guidelines, 2015. Collection method: clinical testing. Allele origin: unknown.

Myriad Genetics, Inc.
Classification: Pathogenic for Lynch syndrome 4. Last evaluated: 2023-09-20. Review status: criteria provided, single submitter. Criteria: Myriad Autosomal Dominant, Autosomal Recessive and X-Linked Classification Criteria (2023). Collection method: clinical testing. Allele origin: unknown.
Comment: This variant is considered pathogenic. This variant creates a frameshift predicted to result in premature protein truncation.

Labcorp Genetics (formerly Invitae), Labcorp
Classification: Pathogenic for Hereditary nonpolyposis colorectal neoplasms. Last evaluated: 2023-03-27. Review status: criteria provided, single submitter. Criteria: Invitae Variant Classification Sherloc (09022015). Collection method: clinical testing. Allele origin: germline.
Comment: For these reasons, this variant has been classified as Pathogenic. ClinVar contains an entry for this variant (Variation ID: 847304). This premature translational stop signal has been observed in individual(s) with colorectal cancer (PMID: 27978560). This variant is not present in population databases (gnomAD no frequency). This sequence change creates a premature translational stop signal (p.His428Thrfs*20) in the PMS2 gene. It is expected to result in an absent or disrupted protein product. Loss-of-function variants in PMS2 are known to be pathogenic (PMID: 21376568, 24362816).

Literature cited by the submitters: PubMed 32652087 (cited by Center for Genomic Medicine, Rigshospitalet, Copenhagen University Hospital); PubMed 27978560 (cited by 4 submitters); PubMed 29596542 (cited by Color Diagnostics, LLC DBA Color Health); PubMed 21376568 (cited by Labcorp Genetics (formerly Invitae), Labcorp); PubMed 24362816 (cited by Labcorp Genetics (formerly Invitae), Labcorp).

NM_000535.7(PMS2):c.1281del (p.His428fs)

Gene: PMS2 (PMS1 homolog 2, mismatch repair system component; minus strand). Cytogenetic location: 7p22.1.
Variant type: Deletion.
Coding change: c.1281del on transcript NM_000535.7 (MANE Select); coding-DNA position 1281, one base deleted (T; older notation c.1281delT).
Protein change: p.His428fs; shifts the reading frame from histidine 428.
Molecular consequence: frameshift variant. On other transcripts: non-coding transcript variant (1).
Genome position (GRCh38, 1-based): chr7:5,987,484, A deleted on the plus strand (T on the coding strand, the reverse complement: PMS2 is on the minus strand). VCF-style (leftmost placement, unchanged base first): chr7-5987483-GA-G. GRCh37 (hg19) VCF-style: chr7-6027114-GA-G.
Other names: c.1281delT (NM_000535.5, NM_000535.7); c.876del, p.His293fs (NM_001322003.2, NM_001322004.2, NM_001322005.2 and 1 more transcripts); c.1125del, p.His376fs (NM_001322006.2); c.963del, p.His322fs (NM_001322007.2, NM_001322008.2); c.720del, p.His241fs (NM_001322010.2); c.348del, p.His117fs (NM_001322011.2, NM_001322012.2); c.708del, p.His237fs (NM_001322013.2); c.1281del, p.His428fs (NM_001322014.2); and 1 more; short protein forms H237fs, H322fs, H117fs, H325fs, H241fs, H428fs, H293fs, H376fs.
Identifiers: ClinVar variation 847304 (VCV000847304.19), dbSNP rs1783147885, ClinGen allele CA916080364.